The following is an entry in ClinVar:

NM_004859.4(CLTC):c.4450A>G (p.Ile1484Val)

Genes: CLTC (clathrin heavy chain; plus strand), LOC125177523 (Sharpr-MPRA regulatory region 12460; plus strand). Cytogenetic location: 17q23.1.
Variant type: single nucleotide variant.
Coding change: c.4450A>G on transcript NM_004859.4 (MANE Select); coding-DNA position 4450, A replaced by G.
Protein change: p.Ile1484Val; replaces isoleucine 1484 with valine.
Molecular consequence: missense variant.
Genome position (GRCh38, 1-based): chr17:59,685,071, A>G. VCF-style: chr17-59685071-A-G. GRCh37 (hg19) VCF-style: chr17-57762432-A-G.
Other names: c.4462A>G, p.Ile1488Val (NM_001288653.2); short protein forms I1484V, I1488V.
Identifiers: ClinVar variation 3613417 (VCV003613417.2).

ClinVar aggregate classification (germline): Uncertain significance (1 of 4 stars; one submission).

gnomAD v4.1: 3 of 1,590,358 alleles (0.00019%); highest among the groups gnomAD compares: South Asian, 0.0011%; no homozygotes.

Submission:

Labcorp Genetics (formerly Invitae), Labcorp
Classification: Uncertain significance. Last evaluated: 2025-10-15. Review status: criteria provided, single submitter. Criteria: Invitae Variant Classification Sherloc (09022015). Collection method: clinical testing. Allele origin: germline.
Comment: This sequence change replaces isoleucine, which is neutral and non-polar, with valine, which is neutral and non-polar, at codon 1488 of the CLTC protein (p.Ile1488Val). This variant is not present in population databases (gnomAD no frequency). This variant has not been reported in the literature in individuals affected with CLTC-related conditions. ClinVar contains an entry for this variant (Variation ID: 3613417). Invitae Evidence Modeling of protein sequence and biophysical properties (such as structural, functional, and spatial information, amino acid conservation, physicochemical variation, residue mobility, and thermodynamic stability) indicates that this missense variant is not expected to disrupt CLTC protein function with a negative predictive value of 80%. In summary, the available evidence is currently insufficient to determine the role of this variant in disease. Therefore, it has been classified as a Variant of Uncertain Significance.